The following is an entry in ClinVar:

ClinVar aggregate classification (germline): Likely benign. Review status: criteria provided, multiple submitters, no conflicts (2 of 4 stars). 3 submissions from 3 submitters: Likely benign (2). 1 of the submissions does not count toward it. Last evaluated 2025-05-30.

Conditions:
Aortic valve disease 2 (AOVD2). Identifiers: MedGen C3542024, MONDO:0013902, OMIM 614823.
SMAD6-related disease. Also called: SMAD6-related condition; SMAD6-related disorder. Identifiers: MedGen CN381596, MONDO:0700324.
Inborn genetic diseases. Identifiers: MedGen C0950123, MeSH D030342.

Allele frequency attached by ClinVar (database versions not stated): TOPMed 0.00002.
gnomAD v4.1: 3 of 1,441,790 alleles (0.00021%); highest among the groups gnomAD compares: Admixed American, 0.0022%; no homozygotes.

Submissions (3):

Labcorp Genetics (formerly Invitae), Labcorp
Classification: Likely benign for Aortic valve disease 2. Last evaluated: 2025-05-30. Review status: criteria provided, single submitter. Criteria: Invitae Variant Classification Sherloc (09022015). Collection method: clinical testing. Allele origin: germline.

Ambry Genetics
Classification: Likely benign for Inborn genetic diseases. Last evaluated: 2021-01-29. Review status: criteria provided, single submitter. Criteria: Ambry Variant Classification Scheme 2023. Collection method: clinical testing. Allele origin: germline.

PreventionGenetics, part of Exact Sciences
Classification: Likely benign for SMAD6-related condition. Last evaluated: 2019-09-05. Review status: no assertion criteria provided. Collection method: clinical testing. Allele origin: germline. Not counted in ClinVar's aggregate classification.
Comment: This variant is classified as likely benign based on ACMG/AMP sequence variant interpretation guidelines (Richards et al. 2015 PMID: 25741868, with internal and published modifications).

NM_005585.5(SMAD6):c.538C>T (p.Leu180=)

Gene: SMAD6 (SMAD family member 6; plus strand). Cytogenetic location: 15q22.31.
Variant type: single nucleotide variant.
Coding change: c.538C>T on transcript NM_005585.5 (MANE Select); coding-DNA position 538, C replaced by T.
Protein change: p.Leu180=; no amino-acid change (leucine 180 retained).
Molecular consequence: synonymous variant. On other transcripts: non-coding transcript variant (1).
Genome position (GRCh38, 1-based): chr15:66,703,796, C>T. VCF-style: chr15-66703796-C-T. GRCh37 (hg19) VCF-style: chr15-66996134-C-T.
Identifiers: ClinVar variation 1747214 (VCV001747214.7), dbSNP rs1484355495, ClinGen allele CA490908197.
Genomic context (GRCh38, chr15:66,703,796, plus strand): 5'-GAAGCGCGCTCGCGGCTGCTGCTGCTGGAGCAGGAACTCAAAACCGTCACGTACTCGCTG[C>T]TGAAGCGGCTCAAGGAGCGCTCGCTGGACACGCTGCTGGAGGCGGTGGAGTCCCGCGGCG-3'
Protein context (NP_005576.3, residues 170-190): QELKTVTYSL[Leu180=]KRLKERSLDT